The following is an entry in ClinVar:

NM_004407.4(DMP1):c.787C>G (p.Pro263Ala)

Genes: DMP1 (dentin matrix acidic phosphoprotein 1; plus strand), DMP1-AS1 (DMP1 and DSPP antisense RNA 1; minus strand). Cytogenetic location: 4q22.1.
Variant type: single nucleotide variant.
Coding change: c.787C>G on transcript NM_004407.4 (MANE Select); coding-DNA position 787, C replaced by G.
Protein change: p.Pro263Ala; replaces proline 263 with alanine.
Molecular consequence: missense variant.
Genome position (GRCh38, 1-based): chr4:87,662,565, C>G. VCF-style: chr4-87662565-C-G. GRCh37 (hg19) VCF-style: chr4-88583717-C-G.
Other names: c.739C>G, p.Pro247Ala (NM_001079911.3); short protein forms P263A, P247A.
Identifiers: ClinVar variation 1935888 (VCV001935888.3), dbSNP rs571820459, ClinGen allele CA3002089.

ClinVar aggregate classification (germline): Uncertain significance. Review status: criteria provided, multiple submitters, no conflicts (2 of 4 stars). 2 submissions from 2 submitters: Uncertain significance (2). Last evaluated 2024-05-19.

Conditions:
Hypophosphatemic rickets, autosomal recessive, 1 (ARHR1). Also called: HYPOPHOSPHATEMIA, AUTOSOMAL RECESSIVE. Identifiers: Orphanet 289176, MedGen C4551495, MONDO:0009430, OMIM 241520. Disease mechanism: loss of function.

Allele frequency attached by ClinVar (database versions not stated): ExAC 0.00004; gnomAD 0.00005; TOPMed 0.00005; 1000 Genomes Project 30x 0.00016; 1000 Genomes Project 0.00020.
gnomAD v4.1: 24 of 1,614,036 alleles (0.0015%); highest among the groups gnomAD compares: Admixed American, 0.035%; no homozygotes.

Submissions (2):

Fulgent Genetics
Classification: Uncertain significance for Hypophosphatemic rickets, autosomal recessive, 1. Last evaluated: 2024-05-19. Review status: criteria provided, single submitter. Criteria: ACMG Guidelines, 2015. Collection method: clinical testing. Allele origin: germline.

Labcorp Genetics (formerly Invitae), Labcorp
Classification: Uncertain significance. Last evaluated: 2022-07-27. Review status: criteria provided, single submitter. Criteria: Invitae Variant Classification Sherloc (09022015). Collection method: clinical testing. Allele origin: germline.
Comment: This sequence change replaces proline, which is neutral and non-polar, with alanine, which is neutral and non-polar, at codon 263 of the DMP1 protein (p.Pro263Ala). This variant is present in population databases (rs571820459, gnomAD 0.04%). This variant has not been reported in the literature in individuals affected with DMP1-related conditions. Algorithms developed to predict the effect of missense changes on protein structure and function output the following: SIFT: "Tolerated"; PolyPhen-2: "Probably Damaging"; Align-GVGD: "Class C0". The alanine amino acid residue is found in multiple mammalian species, which suggests that this missense change does not adversely affect protein function. In summary, the available evidence is currently insufficient to determine the role of this variant in disease. Therefore, it has been classified as a Variant of Uncertain Significance.